The following is an entry in ClinVar:

NM_020458.4(TTC7A):c.1861G>C (p.Val621Leu)

Gene: TTC7A (tetratricopeptide repeat domain 7A; plus strand). Cytogenetic location: 2p21.
Variant type: single nucleotide variant.
Coding change: c.1861G>C on transcript NM_020458.4 (MANE Select); coding-DNA position 1861, G replaced by C.
Protein change: p.Val621Leu; replaces valine 621 with leucine.
Molecular consequence: missense variant.
Genome position (GRCh38, 1-based): chr2:47,046,373, G>C. VCF-style: chr2-47046373-G-C. GRCh37 (hg19) VCF-style: chr2-47273512-G-C.
Other names: c.1861G>C, p.Val621Leu (NM_001288951.2); c.1759G>C, p.Val587Leu (NM_001288953.2); c.799G>C, p.Val267Leu (NM_001288955.2); c.1861G>C (NM_020458.2); short protein forms V267L, V587L, V621L.
Identifiers: ClinVar variation 845062 (VCV000845062.11), dbSNP rs201141407, ClinGen allele CA46647960.

ClinVar aggregate classification (germline): Uncertain significance. Review status: criteria provided, multiple submitters, no conflicts (2 of 4 stars). 3 submissions from 3 submitters: Uncertain significance (3). Last evaluated 2025-08-02.

Conditions:
Inborn genetic diseases. Identifiers: MedGen C0950123, MeSH D030342.
Multiple gastrointestinal atresias. Also called: FAMILIAL INTESTINAL POLYATRESIA SYNDROME; Multiple intestinal atresia. Identifiers: Orphanet 2300, MedGen C0220744, MONDO:0009465.

Allele frequency attached by ClinVar (database versions not stated): TOPMed 0.00001.
gnomAD v4.1: 24 of 1,614,074 alleles (0.0015%); highest among the groups gnomAD compares: East Asian, 0.0022%; no homozygotes.

Submissions (3):

Ambry Genetics
Classification: Uncertain significance for Inborn genetic diseases. Last evaluated: 2025-08-02. Review status: criteria provided, single submitter. Criteria: Ambry Variant Classification Scheme 2023. Collection method: clinical testing. Allele origin: germline.

Blueprint Genetics
Classification: Uncertain significance. Last evaluated: 2024-11-06. Review status: criteria provided, single submitter. Criteria: ACMG Guidelines, 2015. Collection method: clinical testing. Allele origin: germline.

Labcorp Genetics (formerly Invitae), Labcorp
Classification: Uncertain significance for Multiple gastrointestinal atresias. Last evaluated: 2022-02-10. Review status: criteria provided, single submitter. Criteria: Invitae Variant Classification Sherloc (09022015). Collection method: clinical testing. Allele origin: germline.
Comment: In summary, the available evidence is currently insufficient to determine the role of this variant in disease. Therefore, it has been classified as a Variant of Uncertain Significance. Algorithms developed to predict the effect of missense changes on protein structure and function (SIFT, PolyPhen-2, Align-GVGD) all suggest that this variant is likely to be tolerated. ClinVar contains an entry for this variant (Variation ID: 845062). This variant has not been reported in the literature in individuals affected with TTC7A-related conditions. This variant is present in population databases (no rsID available, gnomAD 0.003%). This sequence change replaces valine, which is neutral and non-polar, with leucine, which is neutral and non-polar, at codon 621 of the TTC7A protein (p.Val621Leu).